The following is an entry in ClinVar:

ClinVar aggregate classification (germline): Conflicting classifications of pathogenicity. Review status: criteria provided, conflicting classifications (1 of 4 stars). 17 submissions from 17 submitters: Uncertain significance (14); Likely benign (2). 1 of the submissions does not count toward it. Last evaluated 2026-03-31.

Conditions:
Classic or attenuated familial adenomatous polyposis. Identifiers: MedGen CN372698, MONDO:0021057.
APC-related disorder. Also called: APC-related condition.
Hereditary cancer-predisposing syndrome. Also called: Tumor predisposition; Neoplastic Syndromes, Hereditary; Hereditary Cancer Syndrome; Hereditary neoplastic syndrome. Identifiers: Orphanet 140162, MedGen C0027672, MeSH D009386, MONDO:0015356.
Familial adenomatous polyposis 1 (FAP1). Also called: POLYPOSIS, ADENOMATOUS INTESTINAL; FAMILIAL ADENOMATOUS POLYPOSIS 1, ATTENUATED. Identifiers: MedGen C2713442, MONDO:0021056, OMIM 175100. Disease mechanism: loss of function.

Allele frequency attached by ClinVar (database versions not stated): gnomAD exomes 0.00005; TOPMed 0.00003; gnomAD 0.00004.
gnomAD v4.1: 79 of 1,613,910 alleles (0.0049%); highest among the groups gnomAD compares: African/African-American, 0.0067%; no homozygotes.

Submissions 1 to 13 of 17:

PreventionGenetics, part of Exact Sciences
Classification: Uncertain significance for APC-related condition. Last evaluated: 2026-03-31. Review status: criteria provided, single submitter. Criteria: ACMG Guidelines, 2015. Collection method: clinical testing. Allele origin: germline.
Comment: The APC c.7402T>C variant is predicted to result in the amino acid substitution p.Ser2468Pro. This variant was reported in an individual with breast cancer (Tung et al. 2015. PubMed ID: 25186627). This variant is reported in 0.0080% of alleles in individuals of African descent in gnomAD and has conflicting interpretations in ClinVar ranging from uncertain to likely benign (Variation ID: 184474). At this time, the clinical significance of this variant is uncertain due to the absence of conclusive functional and genetic evidence.

Labcorp Genetics (formerly Invitae), Labcorp
Classification: Uncertain significance for Familial adenomatous polyposis 1. Last evaluated: 2026-02-02. Review status: criteria provided, single submitter. Criteria: Invitae Variant Classification Sherloc (09022015). Collection method: clinical testing. Allele origin: germline.
Comment: This sequence change replaces serine, which is neutral and polar, with proline, which is neutral and non-polar, at codon 2468 of the APC protein (p.Ser2468Pro). The frequency data for this variant in the population databases is considered unreliable, as metrics indicate poor data quality at this position in the gnomAD database. This missense change has been observed in individual(s) with breast cancer (PMID: 25186627). ClinVar contains an entry for this variant (Variation ID: 184474). Invitae Evidence Modeling of protein sequence and biophysical properties (such as structural, functional, and spatial information, amino acid conservation, physicochemical variation, residue mobility, and thermodynamic stability) indicates that this missense variant is not expected to disrupt APC protein function with a negative predictive value of 95%. In summary, the available evidence is currently insufficient to determine the role of this variant in disease. Therefore, it has been classified as a Variant of Uncertain Significance.

Ambry Genetics
Classification: Likely benign for Hereditary cancer-predisposing syndrome. Last evaluated: 2025-07-15. Review status: criteria provided, single submitter. Criteria: Ambry Variant Classification Scheme 2023. Collection method: clinical testing. Allele origin: germline.

Center for Genomic Medicine, Rigshospitalet, Copenhagen University Hospital
Classification: Likely benign. Last evaluated: 2025-03-04. Review status: criteria provided, single submitter. Criteria: ACMG Guidelines, 2015. Collection method: clinical testing. Allele origin: germline.

Quest Diagnostics Nichols Institute San Juan Capistrano
Classification: Uncertain significance. Last evaluated: 2024-12-27. Review status: criteria provided, single submitter. Criteria: Quest Diagnostics criteria. Collection method: clinical testing. Allele origin: unknown.
Comment: The APC c.7402T>C (p.Ser2468Pro) variant has been reported in the published literature in individuals with colorectal cancer (PMID: 27696107 (2016)) and breast cancer (PMID: 25186627 (2015)). The frequency of this variant in the general population (Genome Aggregation Database) is uninformative in the assessment of its pathogenicity. Analysis of this variant using bioinformatics tools for the prediction of the effect of amino acid changes on protein structure and function yielded conflicting predictions that this variant is benign or damaging. Based on the available information, we are unable to determine the clinical significance of this variant.

Blueprint Genetics
Classification: Uncertain significance. Last evaluated: 2024-09-03. Review status: criteria provided, single submitter. Criteria: ACMG Guidelines, 2015. Collection method: clinical testing. Allele origin: germline.

All of Us Research Program, National Institutes of Health
Classification: Uncertain significance for Classic or attenuated familial adenomatous polyposis. Last evaluated: 2024-07-10. Review status: criteria provided, single submitter. Criteria: ACMG Guidelines, 2015. Collection method: clinical testing. Allele origin: germline. Inheritance: Autosomal dominant inheritance. Observed: 12 variant alleles, 12 heterozygotes.
Comment: This missense variant replaces serine with proline at codon 2468 of the APC protein. Computational prediction suggests that this variant may not impact protein structure and function (internally defined REVEL score threshold <= 0.5, PMID: 27666373). To our knowledge, functional studies have not been reported for this variant. This variant has been observed in an individual affected with breast cancer (PMID: 25186627) and in an individual affected with colorectal cancer, who also carried a pathogenic PMS2 variant that could explain the observed phenotype (PMID: 27696107). This variant has been identified in 3/245882 chromosomes in the general population by the Genome Aggregation Database (gnomAD). The available evidence is insufficient to determine the role of this variant in disease conclusively. Therefore, this variant is classified as a Variant of Uncertain Significance.

This study involves interpretation of variants in research participants for the purpose of population health screening. Participant phenotype was not available at the time of variant classification. Additional details can be found in publication PMID: 35346344, PMCID: PMC8962531

GeneDx
Classification: Uncertain significance. Last evaluated: 2024-06-24. Review status: criteria provided, single submitter. Criteria: GeneDx Variant Classification Process June 2021. Collection method: clinical testing. Allele origin: germline.
Comment: In silico analysis supports that this missense variant does not alter protein structure/function; Observed in an individual with breast cancer and an individual with colorectal cancer who was positive for a PMS2 frameshift variant (PMID: 27696107, 25186627); This variant is associated with the following publications: (PMID: 27696107, 25186627)

Color Diagnostics, LLC DBA Color Health
Classification: Uncertain significance for Hereditary cancer-predisposing syndrome. Last evaluated: 2024-04-24. Review status: criteria provided, single submitter. Criteria: ACMG Guidelines, 2015. Collection method: clinical testing. Allele origin: germline.
Comment: This missense variant replaces serine with proline at codon 2468 of the APC protein. Computational prediction suggests that this variant may not impact protein structure and function (internally defined REVEL score threshold <= 0.5, PMID: 27666373). To our knowledge, functional studies have not been reported for this variant. This variant has been observed in an individual affected with breast cancer (PMID: 25186627) and in an individual affected with colorectal cancer, who also carried a pathogenic PMS2 variant that could explain the observed phenotype (PMID: 27696107). This variant has been identified in 3/245882 chromosomes in the general population by the Genome Aggregation Database (gnomAD). The available evidence is insufficient to determine the role of this variant in disease conclusively. Therefore, this variant is classified as a Variant of Uncertain Significance.

Baylor Genetics
Classification: Uncertain significance for Familial adenomatous polyposis 1. Last evaluated: 2024-02-25. Review status: criteria provided, single submitter. Criteria: ACMG Guidelines, 2015. Collection method: clinical testing. Allele origin: unknown.

Myriad Genetics, Inc.
Classification: Uncertain significance for Familial adenomatous polyposis 1. Last evaluated: 2023-02-17. Review status: criteria provided, single submitter. Criteria: Myriad Autosomal Dominant, Autosomal Recessive and X-Linked Classification Criteria (2023). Collection method: clinical testing. Allele origin: unknown.
Comment: This variant is classified as a variant of uncertain significance as there is insufficient evidence to determine its impact on protein function and/or cancer risk.

Clinical Genetics Laboratory, Skane University Hospital Lund
Classification: Uncertain significance. Last evaluated: 2022-05-27. Review status: criteria provided, single submitter. Criteria: ACMG Guidelines, 2015. Collection method: clinical testing. Allele origin: germline. Affected: yes.

St. Jude Molecular Pathology, St. Jude Children's Research Hospital
Classification: Uncertain significance for Familial adenomatous polyposis 1. Last evaluated: 2021-08-03. Review status: criteria provided, single submitter. Criteria: St. Jude Assertion Criteria 2020. Collection method: clinical testing. Allele origin: germline.

NM_000038.6(APC):c.7402T>C (p.Ser2468Pro)

Gene: APC (APC regulator of Wnt signaling pathway; plus strand). Cytogenetic location: 5q22.2.
Variant type: single nucleotide variant.
Coding change: c.7402T>C on transcript NM_000038.6 (MANE Select); coding-DNA position 7402, T replaced by C.
Protein change: p.Ser2468Pro; replaces serine 2468 with proline.
Molecular consequence: missense variant.
Genome position (GRCh38, 1-based): chr5:112,842,996, T>C. VCF-style: chr5-112842996-T-C. GRCh37 (hg19) VCF-style: chr5-112178693-T-C.
Other names: c.7402T>C, p.Ser2468Pro (NM_001127510.3, NM_001354895.2); c.7348T>C, p.Ser2450Pro (NM_001127511.3); c.7456T>C, p.Ser2486Pro (NM_001354896.2); c.7432T>C, p.Ser2478Pro (NM_001354897.2); c.7327T>C, p.Ser2443Pro (NM_001354898.2); c.7318T>C, p.Ser2440Pro (NM_001354899.2); c.7279T>C, p.Ser2427Pro (NM_001354900.2); c.7225T>C, p.Ser2409Pro (NM_001354901.2); and 6 more; short protein forms S2450P, S2468P, S2308P, S2377P, S2440P, S2478P, S2367P, S2409P.
Identifiers: ClinVar variation 184474 (VCV000184474.79), dbSNP rs375586273, ClinGen allele CA013665.
Genomic context (GRCh38, chr5:112,842,996, plus strand): 5'-CCAAGCCCAACCTTAAGAAGAAAATTGGAGGAATCTGCTTCATTTGAATCTCTTTCTCCA[T>C]CATCTAGACCAGCTTCTCCCACTAGGTCCCAGGCACAAACTCCAGTTTTAAGTCCTTCCC-3'
Protein context (NP_000029.2, residues 2458-2478): ESASFESLSP[Ser2468Pro]SRPASPTRSQ